The following is an entry in ClinVar:

NM_018196.4(TMLHE):c.224G>A (p.Trp75Ter)

Gene: TMLHE (trimethyllysine hydroxylase, epsilon; minus strand). Cytogenetic location: Xq28.
Variant type: single nucleotide variant.
Coding change: c.224G>A on transcript NM_018196.4 (MANE Select); coding-DNA position 224, G replaced by A.
Protein change: p.Trp75Ter; replaces tryptophan 75 with a stop codon.
Molecular consequence: nonsense.
Genome position (GRCh38, 1-based): chrX:155,524,590, C>T on the plus strand (G>A on the coding strand, the complement: TMLHE is on the minus strand). VCF-style: chrX-155524590-C-T. GRCh37 (hg19) VCF-style: chrX-154754251-C-T.
Other names: c.224G>A, p.Trp75Ter (NM_001184797.2); short protein forms W75*.
Identifiers: ClinVar variation 4845897 (VCV004845897.1).

ClinVar aggregate classification (germline): Likely pathogenic (1 of 4 stars; one submission).

Conditions:
Epsilon-trimethyllysine hydroxylase deficiency. Also called: Autism, susceptibility to, X-linked 6. Identifiers: MedGen C3550875, MONDO:0010469, OMIM 300872.

gnomAD v4.1: 2 of 1,202,343 alleles (0.00017%); highest among the groups gnomAD compares: South Asian, 0.0037%; no homozygotes.

Submission:

First Genomix Gene Laboratory, Genetic Diagnostics Department
Classification: Likely pathogenic for Epsilon-trimethyllysine hydroxylase deficiency. Last evaluated: 2025-05-05. Review status: criteria provided, single submitter. Criteria: ACMG Guidelines, 2015. Collection method: clinical testing. Allele origin: germline. Inheritance: X-linked recessive inheritance. Affected: no. Observed: 1 variant allele.